The following is an entry in ClinVar:

NM_001184880.2(PCDH19):c.513C>T (p.Asn171=)

Gene: PCDH19 (protocadherin 19; minus strand). Cytogenetic location: Xq22.1.
Variant type: single nucleotide variant.
Coding change: c.513C>T on transcript NM_001184880.2 (MANE Select); coding-DNA position 513, C replaced by T.
Protein change: p.Asn171=; no amino-acid change (asparagine 171 retained).
Molecular consequence: synonymous variant.
Genome position (GRCh38, 1-based): chrX:100,408,085, G>A on the plus strand (C>T on the coding strand, the complement: PCDH19 is on the minus strand). VCF-style: chrX-100408085-G-A. GRCh37 (hg19) VCF-style: chrX-99663083-G-A.
Other names: p.N171N:AAC>AAT; c.513C>T, p.Asn171= (NM_001105243.2, NM_020766.3).
Identifiers: ClinVar variation 206293 (VCV000206293.19), dbSNP rs749602848, ClinGen allele CA316236.

ClinVar aggregate classification (germline): Benign/Likely benign. Review status: criteria provided, multiple submitters, no conflicts (2 of 4 stars). 5 submissions from 5 submitters: Benign (2); Likely benign (3). Last evaluated 2025-12-16.

Conditions:
Inborn genetic diseases. Identifiers: MedGen C0950123, MeSH D030342.
Developmental and epileptic encephalopathy, 9 (DEE9). Also called: JUBERG-HELLMAN SYNDROME; EPILEPSY, FEMALE-RESTRICTED, WITH MENTAL RETARDATION; Early infantile epileptic encephalopathy 9; PCDH19-Related X-Linked Female-Limited Epilepsy with Mental Retardation. Identifiers: Orphanet 101039, Orphanet 2076, MedGen C1848137, MONDO:0010246, OMIM 300088. Disease mechanism: loss of function.

Allele frequency attached by ClinVar (database versions not stated): TOPMed 0.00010; gnomAD 0.00016 and 0.00020; ExAC 0.00035; gnomAD exomes 0.00046.
gnomAD v4.1: 341 of 1,209,015 alleles (0.028%); highest among the groups gnomAD compares: South Asian, 0.24%; 1 homozygote.

Submissions (5):

Labcorp Genetics (formerly Invitae), Labcorp
Classification: Benign for Developmental and epileptic encephalopathy, 9. Last evaluated: 2025-12-16. Review status: criteria provided, single submitter. Criteria: Invitae Variant Classification Sherloc (09022015). Collection method: clinical testing. Allele origin: germline.

Blueprint Genetics
Classification: Likely benign. Last evaluated: 2023-02-07. Review status: criteria provided, single submitter. Criteria: ACMG Guidelines, 2015. Collection method: clinical testing. Allele origin: germline.

Ambry Genetics
Classification: Likely benign for Inborn genetic diseases. Last evaluated: 2019-09-02. Review status: criteria provided, single submitter. Criteria: Ambry Variant Classification Scheme 2023. Collection method: clinical testing. Allele origin: germline.

Genetic Services Laboratory, University of Chicago
Classification: Likely benign. Last evaluated: 2017-05-26. Review status: criteria provided, single submitter. Criteria: ACMG Guidelines, 2015. Collection method: clinical testing. Allele origin: germline. Affected: no.

GeneDx
Classification: Benign. Last evaluated: 2014-09-24. Review status: criteria provided, single submitter. Criteria: GeneDx Variant Classification (06012015). Collection method: clinical testing. Allele origin: germline. Affected: yes.
Comment: This variant is considered likely benign or benign based on one or more of the following criteria: it is a conservative change, it occurs at a poorly conserved position in the protein, it is predicted to be benign by multiple in silico algorithms, and/or has population frequency not consistent with disease.